The following is an entry in ClinVar:

NM_004168.4(SDHA):c.720G>A (p.Glu240=)

Gene: SDHA (succinate dehydrogenase complex flavoprotein subunit A; plus strand). Cytogenetic location: 5p15.33.
Variant type: single nucleotide variant.
Coding change: c.720G>A on transcript NM_004168.4 (MANE Select); coding-DNA position 720, G replaced by A.
Protein change: p.Glu240=; no amino-acid change (glutamic acid 240 retained).
Molecular consequence: synonymous variant.
Genome position (GRCh38, 1-based): chr5:228,283, G>A. VCF-style: chr5-228283-G-A. GRCh37 (hg19) VCF-style: chr5-228398-G-A.
Other names: c.576G>A, p.Glu192= (NM_001294332.2); c.720G>A, p.Glu240= (NM_001330758.2).
Identifiers: ClinVar variation 826909 (VCV000826909.10), dbSNP rs1579391431, ClinGen allele CA442691370.
Genomic context (GRCh38, chr5:228,283, plus strand): 5'-TGCCTTGGATCTCCTGATGGAGAATGGGGAGTGCCGTGGTGTCATCGCACTGTGCATAGA[G>A]GACGGGTCCATCCATCGCATAAGAGCAAAGAACACTGTTGTTGCCACAGGGTAGGAATCT-3'
Protein context (NP_004159.2, residues 230-250): ECRGVIALCI[Glu240=]DGSIHRIRAK

ClinVar aggregate classification (germline): Benign/Likely benign. Review status: criteria provided, multiple submitters, no conflicts (2 of 4 stars). 3 submissions from 3 submitters: Benign (1); Likely benign (2). Last evaluated 2025-03-03.

Conditions:
Pheochromocytoma/paraganglioma syndrome 5. Also called: Paragangliomas 5; SDHA-Related Hereditary Paraganglioma-Pheochromocytoma Syndrome. Identifiers: Orphanet 29072, MedGen C3279992, MONDO:0013602, OMIM 614165.
Mitochondrial complex II deficiency, nuclear type 1. Also called: SUCCINATE CoQ REDUCTASE DEFICIENCY. Identifiers: Orphanet 3208, MedGen C5700310, MONDO:0100294, OMIM 252011.
Hereditary cancer-predisposing syndrome. Also called: Tumor predisposition; Hereditary neoplastic syndrome; Neoplastic Syndromes, Hereditary; Hereditary Cancer Syndrome. Identifiers: Orphanet 140162, MedGen C0027672, MeSH D009386, MONDO:0015356.

Submissions (3):

Myriad Genetics, Inc.
Classification: Benign for Pheochromocytoma/paraganglioma syndrome 5. Last evaluated: 2025-03-03. Review status: criteria provided, single submitter. Criteria: Myriad Autosomal Dominant, Autosomal Recessive and X-Linked Classification Criteria (2023). Collection method: clinical testing. Allele origin: unknown.
Comment: This variant is considered benign. This variant is a silent/synonymous amino acid change and it is not expected to impact splicing.

Labcorp Genetics (formerly Invitae), Labcorp
Classification: Likely benign for Pheochromocytoma/paraganglioma syndrome 5; Mitochondrial complex II deficiency, nuclear type 1. Last evaluated: 2024-08-27. Review status: criteria provided, single submitter. Criteria: Invitae Variant Classification Sherloc (09022015). Collection method: clinical testing. Allele origin: germline.

Ambry Genetics
Classification: Likely benign for Hereditary cancer-predisposing syndrome. Last evaluated: 2019-03-21. Review status: criteria provided, single submitter. Criteria: Ambry Variant Classification Scheme 2023. Collection method: clinical testing. Allele origin: germline.